The following is an entry in ClinVar:

ClinVar aggregate classification (germline): Uncertain significance (1 of 4 stars; one submission).

Conditions:
Combined oxidative phosphorylation defect type 27. Also called: Combined oxidative phosphorylation deficiency 27. Identifiers: Orphanet 477774, MedGen C5567608, MONDO:0014728, OMIM 616672.

Allele frequency attached by ClinVar (database versions not stated): gnomAD 0.00001; TOPMed 0.00001.

Submission:

Labcorp Genetics (formerly Invitae), Labcorp
Classification: Uncertain significance for Combined oxidative phosphorylation defect type 27. Last evaluated: 2022-07-15. Review status: criteria provided, single submitter. Criteria: Invitae Variant Classification Sherloc (09022015). Collection method: clinical testing. Allele origin: germline.
Comment: This sequence change replaces threonine, which is neutral and polar, with proline, which is neutral and non-polar, at codon 160 of the CARS2 protein (p.Thr160Pro). This variant is not present in population databases (gnomAD no frequency). This variant has not been reported in the literature in individuals affected with CARS2-related conditions. ClinVar contains an entry for this variant (Variation ID: 1015600). Algorithms developed to predict the effect of missense changes on protein structure and function are either unavailable or do not agree on the potential impact of this missense change (SIFT: "Tolerated"; PolyPhen-2: "Possibly Damaging"; Align-GVGD: "Class C0"). In summary, the available evidence is currently insufficient to determine the role of this variant in disease. Therefore, it has been classified as a Variant of Uncertain Significance.

NM_024537.4(CARS2):c.478A>C (p.Thr160Pro)

Gene: CARS2 (cysteinyl-tRNA synthetase 2, mitochondrial; minus strand). Cytogenetic location: 13q34.
Variant type: single nucleotide variant.
Coding change: c.478A>C on transcript NM_024537.4 (MANE Select); coding-DNA position 478, A replaced by C.
Protein change: p.Thr160Pro; replaces threonine 160 with proline.
Molecular consequence: missense variant. On other transcripts: 5 prime UTR variant (1), non-coding transcript variant (2).
Genome position (GRCh38, 1-based): chr13:110,687,814, T>G on the plus strand (A>C on the coding strand, the complement: CARS2 is on the minus strand). VCF-style: chr13-110687814-T-G. GRCh37 (hg19) VCF-style: chr13-111340161-T-G.
Other names: c.-522A>C (NM_001352252.2); c.478A>C, p.Thr160Pro (NM_001352253.3); short protein forms T160P.
Identifiers: ClinVar variation 1015600 (VCV001015600.6), dbSNP rs1360090647, ClinGen allele CA388738494.
Genomic context (GRCh38, chr13:110,687,814, plus strand): 5'-TGATTCCTTCAATGAAAGAAATTATCTGAGGAATATTTTCGGTTACCCTCAGGTACACCG[T>G]GGGTGGGAGAACCTGCAAGGAAGTGGAGACGTGACCGTGTTTCCCTCGTGAGAAGCACAG-3'
Protein context (NP_078813.1, residues 150-170): DMAALKVLPP[Thr160Pro]VYLRVTENIP